The following is an entry in ClinVar:

ClinVar aggregate classification (germline): Uncertain significance. Review status: criteria provided, multiple submitters, no conflicts (2 of 4 stars). 2 submissions from 2 submitters: Uncertain significance (2). Last evaluated 2024-11-26.

Conditions:
Inborn genetic diseases. Identifiers: MedGen C0950123, MeSH D030342.
Autosomal recessive early-onset Parkinson disease 6 (PARK6). Also called: PARKINSON DISEASE 6, EARLY-ONSET; PINK1 Type of Young-Onset Parkinson Disease; PINK1-Related Parkinson Disease; PARKINSON DISEASE 6, MODIFIER OF. Identifiers: Orphanet 2828, MedGen C1853833, MONDO:0011613, OMIM 605909.

Allele frequency attached by ClinVar (database versions not stated): gnomAD exomes below 0.00001; ExAC 0.00001; gnomAD 0.00001; TOPMed 0.00002.
gnomAD v4.1: 3 of 1,613,396 alleles (0.00019%); highest among the groups gnomAD compares: Admixed American, 0.0033%; no homozygotes.

Submissions (2):

Ambry Genetics
Classification: Uncertain significance for Inborn genetic diseases. Last evaluated: 2024-11-26. Review status: criteria provided, single submitter. Criteria: Ambry Variant Classification Scheme 2023. Collection method: clinical testing. Allele origin: germline.

Labcorp Genetics (formerly Invitae), Labcorp
Classification: Uncertain significance for Autosomal recessive early-onset Parkinson disease 6. Last evaluated: 2023-05-23. Review status: criteria provided, single submitter. Criteria: Invitae Variant Classification Sherloc (09022015). Collection method: clinical testing. Allele origin: germline.
Comment: In summary, the available evidence is currently insufficient to determine the role of this variant in disease. Therefore, it has been classified as a Variant of Uncertain Significance. Advanced modeling of protein sequence and biophysical properties (such as structural, functional, and spatial information, amino acid conservation, physicochemical variation, residue mobility, and thermodynamic stability) performed at Invitae indicates that this missense variant is expected to disrupt PINK1 protein function. ClinVar contains an entry for this variant (Variation ID: 2060219). This variant has not been reported in the literature in individuals affected with PINK1-related conditions. This variant is present in population databases (rs772774256, gnomAD 0.006%). This sequence change replaces glycine, which is neutral and non-polar, with aspartic acid, which is acidic and polar, at codon 424 of the PINK1 protein (p.Gly424Asp).

NM_032409.3(PINK1):c.1271G>A (p.Gly424Asp)

Genes: PINK1 (PTEN induced kinase 1; plus strand), PINK1-AS (PINK1 antisense RNA; minus strand). Cytogenetic location: 1p36.12.
Variant type: single nucleotide variant.
Coding change: c.1271G>A on transcript NM_032409.3 (MANE Select); coding-DNA position 1271, G replaced by A.
Protein change: p.Gly424Asp; replaces glycine 424 with aspartic acid.
Molecular consequence: missense variant. On other transcripts: non-coding transcript variant (1).
Genome position (GRCh38, 1-based): chr1:20,649,014, G>A. VCF-style: chr1-20649014-G-A. GRCh37 (hg19) VCF-style: chr1-20975507-G-A.
Other names: c.1271G>A (NM_032409.2); short protein forms G424D.
Identifiers: ClinVar variation 2060219 (VCV002060219.5), dbSNP rs772774256, ClinGen allele CA660786.